The following is an entry in ClinVar:

NM_001080467.3(MYO5B):c.3001A>T (p.Ile1001Phe)

Gene: MYO5B (myosin VB; minus strand). Cytogenetic location: 18q21.1.
Variant type: single nucleotide variant.
Coding change: c.3001A>T on transcript NM_001080467.3 (MANE Select); coding-DNA position 3001, A replaced by T.
Protein change: p.Ile1001Phe; replaces isoleucine 1001 with phenylalanine.
Molecular consequence: missense variant.
Genome position (GRCh38, 1-based): chr18:49,894,985, T>A on the plus strand (A>T on the coding strand, the complement: MYO5B is on the minus strand). VCF-style: chr18-49894985-T-A. GRCh37 (hg19) VCF-style: chr18-47421355-T-A.
Other names: short protein forms I1001F.
Identifiers: ClinVar variation 740504 (VCV000740504.16), dbSNP rs61737447, ClinGen allele CA8960878.

ClinVar aggregate classification (germline): Conflicting classifications of pathogenicity. Review status: criteria provided, conflicting classifications (1 of 4 stars). 5 submissions from 5 submitters: Uncertain significance (3); Likely benign (1). 1 of the submissions does not count toward it. Last evaluated 2025-10-22.

Conditions:
Congenital microvillous atrophy (DIAR2). Also called: MICROVILLUS ATROPHY, CONGENITAL; CONGENITAL FAMILIAL PROTRACTED DIARRHEA WITH ENTEROCYTE BRUSH-BORDER ABNORMALITIES; DAVIDSON DISEASE; Microvillus inclusion disease; Diarrhea 2 with microvillus atrophy, with or without cholestasis. Identifiers: Orphanet 2290, MedGen C0341306, MONDO:0009635, OMIM 251850.
MYO5B-related disorder. Also called: MYO5B-related condition.

Allele frequency attached by ClinVar (database versions not stated): gnomAD exomes 0.00012 and 0.00031; ExAC 0.00036; gnomAD 0.00127 and 0.00139; ESP Exome Variant Server 0.00151; TOPMed 0.00167.
gnomAD v4.1: 373 of 1,613,792 alleles (0.023%); highest among the groups gnomAD compares: African/African-American, 0.45%; 5 homozygotes.

Submissions (5):

Labcorp Genetics (formerly Invitae), Labcorp
Classification: Likely benign. Last evaluated: 2025-10-22. Review status: criteria provided, single submitter. Criteria: Invitae Variant Classification Sherloc (09022015). Collection method: clinical testing. Allele origin: germline.

GeneDx
Classification: Uncertain significance. Last evaluated: 2024-01-19. Review status: criteria provided, single submitter. Criteria: GeneDx Variant Classification Process June 2021. Collection method: clinical testing. Allele origin: germline. Affected: yes.
Comment: In silico analysis supports that this missense variant does not alter protein structure/function; Has not been previously published as pathogenic or benign to our knowledge

Baylor Genetics
Classification: Uncertain significance for Congenital microvillous atrophy. Last evaluated: 2018-08-16. Review status: criteria provided, single submitter. Criteria: ACMG Guidelines, 2015. Collection method: clinical testing. Allele origin: maternal. Affected: yes.
Comment: This variant was determined to be of uncertain significance according to ACMG Guidelines, 2015 [PMID:25741868].

Illumina Laboratory Services, Illumina
Classification: Uncertain significance for Congenital microvillous atrophy. Last evaluated: 2017-04-27. Review status: criteria provided, single submitter. Criteria: ICSL Variant Classification Criteria 13 December 2019. Collection method: clinical testing. Allele origin: germline.

PreventionGenetics, part of Exact Sciences
Classification: Likely benign for MYO5B-related condition. Last evaluated: 2021-05-15. Review status: no assertion criteria provided. Collection method: clinical testing. Allele origin: germline. Not counted in ClinVar's aggregate classification.
Comment: This variant is classified as likely benign based on ACMG/AMP sequence variant interpretation guidelines (Richards et al. 2015 PMID: 25741868, with internal and published modifications).